The following is an entry in ClinVar:

NM_022124.6(CDH23):c.7661-14G>C

Gene: CDH23 (cadherin related 23; plus strand). Cytogenetic location: 10q22.1.
Variant type: single nucleotide variant.
Coding change: c.7661-14G>C on transcript NM_022124.6 (MANE Select); 14 bases into the intron before coding-DNA position 7661, G replaced by C.
Molecular consequence: intron variant.
Genome position (GRCh38, 1-based): chr10:71,803,195, G>C. VCF-style: chr10-71803195-G-C. GRCh37 (hg19) VCF-style: chr10-73562952-G-C.
Other names: c.941-14G>C (NM_001171933.1, NM_001171934.1).
Identifiers: ClinVar variation 517296 (VCV000517296.4), dbSNP rs767603792, ClinGen allele CA5546414.

ClinVar aggregate classification (germline): Uncertain significance (1 of 4 stars; one submission).

Allele frequency attached by ClinVar (database versions not stated): gnomAD exomes below 0.00001; ExAC 0.00001.
gnomAD v4.1: 1 of 1,609,386 alleles (0.000062%); highest among the groups gnomAD compares: South Asian, 0.0011%; no homozygotes.

Submission:

Laboratory for Molecular Medicine, Mass General Brigham Personalized Medicine
Classification: Uncertain significance. Last evaluated: 2017-03-20. Review status: criteria provided, single submitter. Criteria: LMM Criteria. Collection method: clinical testing. Allele origin: germline. Observed: 1 variant allele.
Comment: The c.7661-14G>C variant in CDH23 has not been previously reported in individual s with hearing loss, but was identified in 1/13210 South Asian chromosomes by th e Exome Aggregation Consortium (ExAC; dbSNP rs76 7603792). Although this variant has been seen in the general population, its fre quency is not high enough to rule out a pathogenic role. This variant is located in the 3' splice region. Computational tools do not suggest an impact to splici ng. However, this information is not predictive enough to rule out pathogenicity . In summary, the clinical significance of the c.7661-14G>C variant is uncertain .